The following is an entry in ClinVar:

NM_033360.4(KRAS):c.111+239A>G

Gene: KRAS (KRas proto-oncogene, GTPase; minus strand). Cytogenetic location: 12p12.1.
Variant type: single nucleotide variant.
Coding change: c.111+239A>G on transcript NM_033360.4 (MANE Plus Clinical); 239 bases into the intron after coding-DNA position 111, A replaced by G.
Molecular consequence: intron variant.
Genome position (GRCh38, 1-based): chr12:25,245,035, T>C on the plus strand (A>G on the coding strand, the complement: KRAS is on the minus strand). VCF-style: chr12-25245035-T-C. GRCh37 (hg19) VCF-style: chr12-25397969-T-C.
Other names: NC_000012.11:g.25397969T>C; c.111+239A>G (LRG_344t1, LRG_344t2, NM_001369787.1 and 2 more transcripts).
Identifiers: ClinVar variation 561662 (VCV000561662.2), dbSNP rs187904655, ClinGen allele CA234236441.

ClinVar aggregate classification (germline): Likely benign (1 of 4 stars; one submission).

Allele frequency attached by ClinVar (database versions not stated): 1000 Genomes Project 30x 0.00156; 1000 Genomes Project 0.00160; TOPMed 0.00215; gnomAD 0.00370 and 0.00386.
gnomAD v4.1: 554 of 152,256 alleles (0.36%); highest among the groups gnomAD compares: Non-Finnish European, 0.44%; 6 homozygotes.

Submissions (2):

GeneDx
Classification: Likely benign. Last evaluated: 2018-06-14. Review status: criteria provided, single submitter. Criteria: GeneDx Variant Classification (06012015). Collection method: clinical testing. Allele origin: germline. Affected: yes.
Comment: This variant is considered likely benign or benign based on one or more of the following criteria: it is a conservative change, it occurs at a poorly conserved position in the protein, it is predicted to be benign by multiple in silico algorithms, and/or has population frequency not consistent with disease.

Dr. Peter K. Rogan Lab, Western University
No classification provided (evidence only). Condition: Acute myeloid leukemia. Review status: no classification provided. Collection method: in vitro. Allele origin: not applicable. Functional consequence: skipped exon. Not counted in ClinVar's aggregate classification.